The following is an entry in ClinVar:

ClinVar aggregate classification (germline): Uncertain significance (1 of 4 stars; one submission).

Conditions:
Nephronophthisis 14 (NPHP14). Identifiers: Orphanet 2318, MedGen C3539071, MONDO:0013916, OMIM 614844.

Allele frequency attached by ClinVar (database versions not stated): gnomAD exomes below 0.00001 and 0.00001; ExAC 0.00002.
gnomAD v4.1: 8 of 1,611,948 alleles (0.0005%); highest among the groups gnomAD compares: Middle Eastern, 0.05%; no homozygotes.

Submission:

Labcorp Genetics (formerly Invitae), Labcorp
Classification: Uncertain significance for Nephronophthisis 14. Last evaluated: 2021-09-08. Review status: criteria provided, single submitter. Criteria: Invitae Variant Classification Sherloc (09022015). Collection method: clinical testing. Allele origin: germline.
Comment: This sequence change replaces glutamic acid with glutamine at codon 10 of the ZNF423 protein (p.Glu10Gln). The glutamic acid residue is weakly conserved and there is a small physicochemical difference between glutamic acid and glutamine. This variant is present in population databases (rs770110323, ExAC 0.003%). This variant has not been reported in the literature in individuals affected with ZNF423-related conditions. Algorithms developed to predict the effect of missense changes on protein structure and function (SIFT, PolyPhen-2, Align-GVGD) all suggest that this variant is likely to be tolerated. In summary, the available evidence is currently insufficient to determine the role of this variant in disease. Therefore, it has been classified as a Variant of Uncertain Significance.

NM_001379286.1(ZNF423):c.52G>C (p.Glu18Gln)

Gene: ZNF423 (zinc finger protein 423; minus strand). Cytogenetic location: 16q12.1.
Variant type: single nucleotide variant.
Coding change: c.52G>C on transcript NM_001379286.1 (MANE Select); coding-DNA position 52, G replaced by C.
Protein change: p.Glu18Gln; replaces glutamic acid 18 with glutamine.
Molecular consequence: missense variant. On other transcripts: 5 prime UTR variant (1).
Genome position (GRCh38, 1-based): chr16:49,789,535, C>G on the plus strand (G>C on the coding strand, the complement: ZNF423 is on the minus strand). VCF-style: chr16-49789535-C-G. GRCh37 (hg19) VCF-style: chr16-49823446-C-G.
Other names: c.-153G>C (NM_001271620.2); c.28G>C, p.Glu10Gln (NM_015069.5); short protein forms E18Q, E10Q.
Identifiers: ClinVar variation 942002 (VCV000942002.5), dbSNP rs770110323, ClinGen allele CA8046985.